The following is an entry in ClinVar:

ClinVar aggregate classification (germline): Uncertain significance (1 of 4 stars; one submission).

Submission:

Labcorp Genetics (formerly Invitae), Labcorp
Classification: Uncertain significance. Last evaluated: 2022-05-03. Review status: criteria provided, single submitter. Criteria: Invitae Variant Classification Sherloc (09022015). Collection method: clinical testing. Allele origin: germline.
Comment: This variant results in a copy number gain of the genomic region encompassing exon(s) 1-14 of the KIAA0556 gene. This region includes the initiator codon of the gene. This copy number gain extends beyond the assayed region for this gene and therefore may encompass additional genes. As the precise location of this event is unknown, it may be in tandem or it may be located elsewhere in the genome. This variant has not been reported in the literature in individuals affected with KIAA0556-related conditions. In summary, the available evidence is currently insufficient to determine the role of this variant in disease. Therefore, it has been classified as a Variant of Uncertain Significance.

NC_000016.9:g.(?_27561492)_(27733036_?)dup

Gene: KATNIP (katanin interacting protein; plus strand). Cytogenetic location: 16p12.1.
Variant type: Duplication.
Identifiers: ClinVar variation 2426097 (VCV002426097.4).